The following is an entry in ClinVar:

NM_001166108.2(PALLD):c.305T>C (p.Val102Ala)

Gene: PALLD (palladin, cytoskeletal associated protein; plus strand). Cytogenetic location: 4q32.3.
Variant type: single nucleotide variant.
Coding change: c.305T>C on transcript NM_001166108.2 (MANE Select); coding-DNA position 305, T replaced by C.
Protein change: p.Val102Ala; replaces valine 102 with alanine.
Molecular consequence: missense variant.
Genome position (GRCh38, 1-based): chr4:168,511,809, T>C. VCF-style: chr4-168511809-T-C. GRCh37 (hg19) VCF-style: chr4-169432960-T-C.
Other names: c.305T>C, p.Val102Ala (NM_016081.4); short protein forms V102A.
Identifiers: ClinVar variation 1799359 (VCV001799359.3), dbSNP rs753241649, ClinGen allele CA3135338.
Genomic context (GRCh38, chr4:168,511,809, plus strand): 5'-AGGAGACCAAATTGGGTGAACACGCCTCGAGGAGACCTCAGGATAACAGGTCAACACCTG[T>C]CCAGCCTCTGGCAGAGAAACAAACTAAGAGTATCTCTTCACCTGTTTCAAAGAGGAAACC-3'
Protein context (NP_001159580.1, residues 92-112): RRPQDNRSTP[Val102Ala]QPLAEKQTKS

ClinVar aggregate classification (germline): Uncertain significance (1 of 4 stars; one submission).

Allele frequency attached by ClinVar (database versions not stated): gnomAD 0.00001; ExAC 0.00003.

Submission:

Ambry Genetics
Classification: Uncertain significance. Last evaluated: 2023-06-30. Review status: criteria provided, single submitter. Criteria: Ambry Variant Classification Scheme 2023. Collection method: clinical testing. Allele origin: germline.
Comment: The p.V102A variant (also known as c.305T>C), located in coding exon 1 of the PALLD gene, results from a T to C substitution at nucleotide position 305. The valine at codon 102 is replaced by alanine, an amino acid with similar properties. This amino acid position is conserved. In addition, this alteration is predicted to be tolerated by in silico analysis. Since supporting evidence is limited at this time, the clinical significance of this alteration remains unclear.